The following is an entry in ClinVar:

ClinVar aggregate classification (germline): Likely benign. Review status: criteria provided, single submitter (1 of 4 stars). 2 submissions from 2 submitters: Likely benign (1). 1 of the submissions does not count toward it. Last evaluated 2025-01-29.

Conditions:
ITGB4-related disorder. Also called: ITGB4-related condition.

Allele frequency attached by ClinVar (database versions not stated): gnomAD 0.00001; TOPMed 0.00001; ExAC 0.00004.
gnomAD v4.1: 10 of 1,613,422 alleles (0.00062%); highest among the groups gnomAD compares: Admixed American, 0.017%; no homozygotes.

Submissions (2):

Labcorp Genetics (formerly Invitae), Labcorp
Classification: Likely benign. Last evaluated: 2025-01-29. Review status: criteria provided, single submitter. Criteria: Invitae Variant Classification Sherloc (09022015). Collection method: clinical testing. Allele origin: germline.

PreventionGenetics, part of Exact Sciences
Classification: Likely benign for ITGB4-related condition. Last evaluated: 2022-12-15. Review status: no assertion criteria provided. Collection method: clinical testing. Allele origin: germline. Not counted in ClinVar's aggregate classification.
Comment: This variant is classified as likely benign based on ACMG/AMP sequence variant interpretation guidelines (Richards et al. 2015 PMID: 25741868, with internal and published modifications).

NM_000213.5(ITGB4):c.4319-6C>T

Genes: GALK1 (galactokinase 1; minus strand), ITGB4 (integrin subunit beta 4; plus strand). Cytogenetic location: 17q25.1.
Variant type: single nucleotide variant.
Coding change: c.4319-6C>T on transcript NM_000213.5 (MANE Select); 6 bases into the intron before coding-DNA position 4319, C replaced by T.
Molecular consequence: intron variant.
Genome position (GRCh38, 1-based): chr17:75,754,570, C>T. VCF-style: chr17-75754570-C-T. GRCh37 (hg19) VCF-style: chr17-73750651-C-T.
Other names: c.4109-6C>T (NM_001005619.2, NM_001005731.3, NM_001438834.1 and 1 more transcripts); c.*23-2833G>A (NM_001381985.1).
Identifiers: ClinVar variation 2889411 (VCV002889411.5), dbSNP rs751017268, ClinGen allele CA8770083.